The following is an entry in ClinVar:

ClinVar aggregate classification (germline): Uncertain significance (1 of 4 stars; one submission).

Submission:

Labcorp Genetics (formerly Invitae), Labcorp
Classification: Uncertain significance. Last evaluated: 2022-09-21. Review status: criteria provided, single submitter. Criteria: Invitae Variant Classification Sherloc (09022015). Collection method: clinical testing. Allele origin: germline.
Comment: In summary, the available evidence is currently insufficient to determine the role of this variant in disease. Therefore, it has been classified as a Variant of Uncertain Significance. Variants that disrupt the consensus splice site are a relatively common cause of aberrant splicing (PMID: 17576681, 9536098). Algorithms developed to predict the effect of sequence changes on RNA splicing suggest that this variant may disrupt the consensus splice site. This variant has not been reported in the literature in individuals affected with CLCN5-related conditions. This variant is not present in population databases (gnomAD no frequency). This sequence change falls in intron 2 of the CLCN5 gene. It does not directly change the encoded amino acid sequence of the CLCN5 protein. It affects a nucleotide within the consensus splice site.

Literature cited by the submitters: PubMed 17576681; PubMed 9536098.

NM_001127898.4(CLCN5):c.315+4del

Gene: CLCN5 (chloride voltage-gated channel 5; plus strand). Cytogenetic location: Xp11.23.
Variant type: Deletion.
Coding change: c.315+4del on transcript NM_001127898.4 (MANE Select); 4 bases into the intron after coding-DNA position 315, one base deleted (A; older notation c.315+4delA).
Molecular consequence: intron variant.
Genome position (GRCh38, 1-based): chrX:50,070,034, A deleted; the last of 2 consecutive A bases (chrX:50,070,033-50,070,034); deleting either gives the same sequence. VCF-style (leftmost placement, unchanged base first): chrX-50070032-TA-T. GRCh37 (hg19) VCF-style: chrX-49834687-TA-T.
Other names: c.315+4del (NM_001127899.4); c.105+4del (NM_000084.5); c.165+4del (NM_001282163.2).
Identifiers: ClinVar variation 2031695 (VCV002031695.4), dbSNP rs2519397099, ClinGen allele CA2552070764.
Genomic context (GRCh38, chrX:50,070,032, plus strand): 5'-ATTTCAATACAATTGATTGGGTGAGAGAGAAGTCTCGAGACCGGGATAGGCACCGAGAGG[TA>T]AGACAAAAGATGGCACATGGGTAAGTGTTAGGAAATACAGGGGAAGAAATTGAAGATACA-3'